The following is an entry in ClinVar:

NM_004991.4(MECOM):c.409A>G (p.Ile137Val)

Gene: MECOM (MDS1 and EVI1 complex locus; minus strand). Cytogenetic location: 3q26.2.
Variant type: single nucleotide variant.
Coding change: c.409A>G on transcript NM_004991.4 (MANE Select); coding-DNA position 409, A replaced by G.
Protein change: p.Ile137Val; replaces isoleucine 137 with valine.
Molecular consequence: missense variant. On other transcripts: 5 prime UTR variant (12).
Genome position (GRCh38, 1-based): chr3:169,143,799, T>C on the plus strand (A>G on the coding strand, the complement: MECOM is on the minus strand). VCF-style: chr3-169143799-T-C. GRCh37 (hg19) VCF-style: chr3-168861587-T-C.
Other names: c.37A>G, p.Ile13Val (NM_001105077.4); c.-156A>G (NM_001105078.4, NM_001163999.2, NM_001164000.2 and 9 more transcripts); c.409A>G, p.Ile137Val (NM_001366466.2, NM_001366473.2); short protein forms I137V, I13V.
Identifiers: ClinVar variation 4105868 (VCV004105868.1).

ClinVar aggregate classification (germline): Uncertain significance (1 of 4 stars; one submission).

Conditions:
Inborn genetic diseases. Identifiers: MedGen C0950123, MeSH D030342.

gnomAD v4.1: 2 of 1,609,990 alleles (0.00012%); highest among the groups gnomAD compares: Non-Finnish European, 0.00017%; no homozygotes.

Submission:

Ambry Genetics
Classification: Uncertain significance for Inborn genetic diseases. Last evaluated: 2025-08-22. Review status: criteria provided, single submitter. Criteria: Ambry Variant Classification Scheme 2023. Collection method: clinical testing. Allele origin: germline.
Comment: The p.I137V variant (also known as c.409A>G), located in coding exon 3 of the MECOM gene, results from an A to G substitution at nucleotide position 409. The isoleucine at codon 137 is replaced by valine, an amino acid with highly similar properties. This amino acid position is conserved. In addition, this alteration is predicted to be tolerated by in silico analysis. Based on the available evidence, the clinical significance of this variant remains unclear.